The following is an entry in ClinVar:

ClinVar aggregate classification (germline): Uncertain significance. Review status: criteria provided, multiple submitters, no conflicts (2 of 4 stars). 2 submissions from 2 submitters: Uncertain significance (2). Last evaluated 2024-10-22.

Conditions:
Holoprosencephaly 12 with or without pancreatic agenesis. Identifiers: MedGen C5193131, MONDO:0032787, OMIM 618500.

gnomAD v4.1: 314 of 1,613,100 alleles (0.019%); highest among the groups gnomAD compares: Non-Finnish European, 0.026%; no homozygotes.

Submissions (2):

Labcorp Genetics (formerly Invitae), Labcorp
Classification: Uncertain significance. Last evaluated: 2024-10-22. Review status: criteria provided, single submitter. Criteria: Invitae Variant Classification Sherloc (09022015). Collection method: clinical testing. Allele origin: germline.
Comment: This sequence change replaces isoleucine, which is neutral and non-polar, with valine, which is neutral and non-polar, at codon 178 of the CNOT1 protein (p.Ile178Val). This variant is present in population databases (rs375866263, gnomAD 0.02%). This missense change has been observed in individual(s) with CNOT1-related conditions (PMID: 25299611). An algorithm developed to predict the effect of missense changes on protein structure and function (PolyPhen-2) suggests that this variant is likely to be tolerated. In summary, the available evidence is currently insufficient to determine the role of this variant in disease. Therefore, it has been classified as a Variant of Uncertain Significance.

Department of Pathology and Laboratory Medicine, Sinai Health System
Classification: Uncertain significance for holoprosencephaly 12 with or without pancreatic agenesis. Last evaluated: 2022-10-14. Review status: criteria provided, single submitter. Criteria: ACMG Guidelines, 2015. Collection method: research. Allele origin: germline.

Literature cited by the submitters: PubMed 25299611 (cited by Labcorp Genetics (formerly Invitae), Labcorp).

NM_016284.5(CNOT1):c.532A>G (p.Ile178Val)

Gene: CNOT1 (CCR4-NOT transcription complex subunit 1; minus strand). Cytogenetic location: 16q21.
Variant type: single nucleotide variant.
Coding change: c.532A>G on transcript NM_016284.5 (MANE Select); coding-DNA position 532, A replaced by G.
Protein change: p.Ile178Val; replaces isoleucine 178 with valine.
Molecular consequence: missense variant. On other transcripts: non-coding transcript variant (1).
Genome position (GRCh38, 1-based): chr16:58,586,650, T>C on the plus strand (A>G on the coding strand, the complement: CNOT1 is on the minus strand). VCF-style: chr16-58586650-T-C. GRCh37 (hg19) VCF-style: chr16-58620554-T-C.
Other names: c.532A>G, p.Ile178Val (NM_001265612.2, NM_206999.3); short protein forms I178V.
Identifiers: ClinVar variation 3671161 (VCV003671161.3).